The following is an entry in ClinVar:

ClinVar aggregate classification (germline): Conflicting classifications of pathogenicity. Review status: criteria provided, conflicting classifications (1 of 4 stars). 6 submissions from 6 submitters: Uncertain significance (5); Likely benign (1). Last evaluated 2025-09-17.

Conditions:
Inborn genetic diseases. Identifiers: MedGen C0950123, MeSH D030342.
Bethlem myopathy 1A. Also called: Bethlem myopathy 1; Bethlem Muscular Dystrophy; MYOPATHY, BENIGN CONGENITAL, WITH CONTRACTURES. Identifiers: Orphanet 610, MedGen CN029274, MONDO:0024530, OMIM 158810.

Allele frequency attached by ClinVar (database versions not stated): gnomAD exomes 0.00007 and 0.00011; ExAC 0.00012; gnomAD 0.00022 and 0.00063; ESP Exome Variant Server 0.00038; TOPMed 0.00085.
gnomAD v4.1: 240 of 1,607,340 alleles (0.015%); highest among the groups gnomAD compares: African/African-American, 0.048%; 3 homozygotes.

Submissions (6):

Labcorp Genetics (formerly Invitae), Labcorp
Classification: Likely benign for Bethlem myopathy 1A. Last evaluated: 2025-09-17. Review status: criteria provided, single submitter. Criteria: Invitae Variant Classification Sherloc (09022015). Collection method: clinical testing. Allele origin: germline.

CeGaT Center for Human Genetics Tuebingen
Classification: Uncertain significance. Last evaluated: 2022-10-01. Review status: criteria provided, single submitter. Criteria: CeGaT Center For Human Genetics Tuebingen Variant Classification Criteria Version 2. Collection method: clinical testing. Allele origin: germline. Affected: yes. Observed: 1 variant allele.
Comment: COL6A2: PM2

Ambry Genetics
Classification: Uncertain significance for Inborn genetic diseases. Last evaluated: 2021-06-11. Review status: criteria provided, single submitter. Criteria: Ambry Variant Classification Scheme 2023. Collection method: clinical testing. Allele origin: germline.

Revvity Omics, Revvity
Classification: Uncertain significance. Last evaluated: 2019-07-22. Review status: criteria provided, single submitter. Criteria: ACMG Guidelines, 2015. Collection method: clinical testing. Allele origin: germline.

Eurofins Ntd Llc (ga)
Classification: Uncertain significance. Last evaluated: 2018-07-30. Review status: criteria provided, single submitter. Criteria: EGL ClinVar v180209 classification definitions. Collection method: clinical testing. Allele origin: germline. Observed: 3 variant alleles, 3 heterozygotes.

GeneDx
Classification: Uncertain significance. Last evaluated: 2017-09-12. Review status: criteria provided, single submitter. Criteria: GeneDx Variant Classification (06012015). Collection method: clinical testing. Allele origin: germline. Affected: yes.
Comment: The K1000E variant in the COL6A2 gene has not been reported previously as a pathogenic variant, nor as a benign variant, to our knowledge. However, it is reported as a variant of uncertain significance in ClinVar by a different clinical laboratory, but additional evidence is not available (ClinVar SCV000338493.2; Landrum et al., 2015). This variant is observed in 5/9092 alleles (0.055%) from individuals of African background, and 6/61,502 alleles (0.010%) from individuals of non-Finnish European background, in the ExAC dataset, with no homozygous control individuals reported (Lek et al., 2016). The K1000E variant is a non-conservative amino acid substitution, which is likely to impact secondary protein structure as these residues differ in polarity, charge, size and/or other properties. In addition, this substitution occurs at a position that is conserved across mammalian species. However, in silico analysis is inconsistent in its predictions as to whether or not the variant is damaging to the protein structure/function. We interpret K1000E as a variant of uncertain significance.

NM_001849.4(COL6A2):c.2998A>G (p.Lys1000Glu)

Gene: COL6A2 (collagen type VI alpha 2 chain; plus strand). Cytogenetic location: 21q22.3.
Variant type: single nucleotide variant.
Coding change: c.2998A>G on transcript NM_001849.4 (MANE Select); coding-DNA position 2998, A replaced by G.
Protein change: p.Lys1000Glu; replaces lysine 1000 with glutamic acid.
Molecular consequence: missense variant.
Genome position (GRCh38, 1-based): chr21:46,132,490, A>G. VCF-style: chr21-46132490-A-G. GRCh37 (hg19) VCF-style: chr21-47552404-A-G.
Other names: short protein forms K1000E.
Identifiers: ClinVar variation 285469 (VCV000285469.48), dbSNP rs151244310, ClinGen allele CA10073133.
Genomic context (GRCh38, chr21:46,132,490, plus strand): 5'-GTGGACATGGACGTGCTCACCACGCTCAGCCTGGGTGACCGCGCCGCCGTGTTCCACGAG[A>G]AGGACTATGACAGCCTGGCGCAACCCGGCTTCTTCGACCGCTTCATCCGCTGGATCTGCT-3'
Protein context (NP_001840.3, residues 990-1010): LGDRAAVFHE[Lys1000Glu]DYDSLAQPGF